The following is an entry in ClinVar:

ClinVar aggregate classification (germline): Likely benign (0 of 4 stars; one submission).

Conditions:
NRP2-related disorder. Also called: NRP2-related condition.

gnomAD v4.1: 2 of 1,614,080 alleles (0.00012%); highest among the groups gnomAD compares: East Asian, 0.0022%; no homozygotes.

Submission:

PreventionGenetics, part of Exact Sciences
Classification: Likely benign for NRP2-related condition. Last evaluated: 2021-11-09. Review status: no assertion criteria provided. Collection method: clinical testing. Allele origin: germline.
Comment: This variant is classified as likely benign based on ACMG/AMP sequence variant interpretation guidelines (Richards et al. 2015 PMID: 25741868, with internal and published modifications).

NM_003872.3(NRP2):c.2271G>A (p.Gly757=)

Gene: NRP2 (neuropilin 2; plus strand). Cytogenetic location: 2q33.3.
Variant type: single nucleotide variant.
Coding change: c.2271G>A on transcript NM_003872.3 (MANE Select); coding-DNA position 2271, G replaced by A.
Protein change: p.Gly757=; no amino-acid change (glycine 757 retained).
Molecular consequence: synonymous variant.
Genome position (GRCh38, 1-based): chr2:205,763,900, G>A. VCF-style: chr2-205763900-G-A. GRCh37 (hg19) VCF-style: chr2-206628624-G-A.
Other names: c.2271G>A, p.Gly757= (NM_018534.4, NM_201266.2, NM_201267.2 and 1 more transcripts).
Identifiers: ClinVar variation 3354633 (VCV003354633.1).